The following is an entry in ClinVar:

NM_001005373.4(LRSAM1):c.1406G>A (p.Arg469Gln)

Gene: LRSAM1 (leucine rich repeat and sterile alpha motif containing 1; plus strand). Cytogenetic location: 9q33.3.
Variant type: single nucleotide variant.
Coding change: c.1406G>A on transcript NM_001005373.4 (MANE Select); coding-DNA position 1406, G replaced by A.
Protein change: p.Arg469Gln; replaces arginine 469 with glutamine.
Molecular consequence: missense variant. On other transcripts: non-coding transcript variant (2).
Genome position (GRCh38, 1-based): chr9:127,489,502, G>A. VCF-style: chr9-127489502-G-A. GRCh37 (hg19) VCF-style: chr9-130251781-G-A.
Other names: c.1406G>A, p.Arg469Gln (NM_001005374.4, NM_001190723.3, NM_001384142.1 and 2 more transcripts); c.617G>A, p.Arg206Gln (NM_001384144.1); short protein forms R469Q, R206Q.
Identifiers: ClinVar variation 697181 (VCV000697181.13), dbSNP rs369439346, ClinGen allele CA5246974.

ClinVar aggregate classification (germline): Conflicting classifications of pathogenicity. Review status: criteria provided, conflicting classifications (1 of 4 stars). 3 submissions from 3 submitters: Uncertain significance (2); Likely benign (1). Last evaluated 2025-12-21.

Conditions:
Charcot-Marie-Tooth disease. Also called: Charcot-Marie-Tooth Neuropathy; Charcot-Marie-Tooth Hereditary Neuropathy. Identifiers: Orphanet 166, MedGen C0007959, MONDO:0015626.
Charcot-Marie-Tooth disease axonal type 2P. Also called: CHARCOT-MARIE-TOOTH NEUROPATHY, TYPE 2P; Charcot-Marie-Tooth Neuropathy Type 2G; CHARCOT-MARIE-TOOTH DISEASE, AXONAL, TYPE 2G; CMT 2G. Identifiers: Orphanet 300319, Orphanet 99941, MedGen C3280797, MONDO:0013753, OMIM 614436.

Allele frequency attached by ClinVar (database versions not stated): gnomAD exomes 0.00011; ExAC 0.00015; gnomAD 0.00028 and 0.00031; ESP Exome Variant Server 0.00031; TOPMed 0.00035; 1000 Genomes Project 0.00040; 1000 Genomes Project 30x 0.00047.

Submissions (3):

Labcorp Genetics (formerly Invitae), Labcorp
Classification: Likely benign for Charcot-Marie-Tooth disease axonal type 2P. Last evaluated: 2025-12-21. Review status: criteria provided, single submitter. Criteria: Invitae Variant Classification Sherloc (09022015). Collection method: clinical testing. Allele origin: germline.

GeneDx
Classification: Uncertain significance. Last evaluated: 2025-02-22. Review status: criteria provided, single submitter. Criteria: GeneDx Variant Classification Process June 2021. Collection method: clinical testing. Allele origin: germline. Affected: yes.
Comment: Reported in a patient with suspected Charcot-Marie-Tooth disease in published literature; however, no further clinical or segregation information was provided (PMID: 32376792); In silico analysis indicates that this missense variant does not alter protein structure/function; This variant is associated with the following publications: (PMID: 32376792)

Molecular Genetics Laboratory, London Health Sciences Centre
Classification: Uncertain significance for Charcot-Marie-Tooth disease. Review status: criteria provided, single submitter. Criteria: ACMG Guidelines, 2015. Collection method: clinical testing. Allele origin: germline. Affected: yes.